The following is an entry in ClinVar:

NM_212482.4(FN1):c.4418G>A (p.Arg1473Gln)

Gene: FN1 (fibronectin 1; minus strand). Cytogenetic location: 2q35.
Variant type: single nucleotide variant.
Coding change: c.4418G>A on transcript NM_212482.4 (MANE Select); coding-DNA position 4418, G replaced by A.
Protein change: p.Arg1473Gln; replaces arginine 1473 with glutamine.
Molecular consequence: missense variant.
Genome position (GRCh38, 1-based): chr2:215,386,883, C>T on the plus strand (G>A on the coding strand, the complement: FN1 is on the minus strand). VCF-style: chr2-215386883-C-T. GRCh37 (hg19) VCF-style: chr2-216251606-C-T.
Other names: c.4418G>A, p.Arg1473Gln (NM_001306129.2, NM_001306130.2, NM_001365517.2 and 3 more transcripts); c.4145G>A, p.Arg1382Gln (NM_001306131.2, NM_001306132.2, NM_001365518.2 and 7 more transcripts); short protein forms R1473Q, R1382Q.
Identifiers: ClinVar variation 1475061 (VCV001475061.6), dbSNP rs1377048525, ClinGen allele CA350481794.

ClinVar aggregate classification (germline): Uncertain significance (1 of 4 stars; one submission).

gnomAD v4.1: 10 of 1,613,370 alleles (0.00062%); highest among the groups gnomAD compares: Non-Finnish European, 0.00085%; no homozygotes.

Submission:

Labcorp Genetics (formerly Invitae), Labcorp
Classification: Uncertain significance. Last evaluated: 2021-08-16. Review status: criteria provided, single submitter. Criteria: Invitae Variant Classification Sherloc (09022015). Collection method: clinical testing. Allele origin: germline.
Comment: In summary, the available evidence is currently insufficient to determine the role of this variant in disease. Therefore, it has been classified as a Variant of Uncertain Significance. Algorithms developed to predict the effect of missense changes on protein structure and function are either unavailable or do not agree on the potential impact of this missense change (SIFT: "Not Available"; PolyPhen-2: "Probably Damaging"; Align-GVGD: "Not Available"). This variant has not been reported in the literature in individuals affected with FN1-related conditions. This variant is not present in population databases (ExAC no frequency). This sequence change replaces arginine with glutamine at codon 1473 of the FN1 protein (p.Arg1473Gln). The arginine residue is highly conserved and there is a small physicochemical difference between arginine and glutamine.